The following is an entry in ClinVar:

NM_001371928.1(AHDC1):c.835C>T (p.Gln279Ter)

Gene: AHDC1 (AT-hook DNA binding motif containing 1; minus strand). Cytogenetic location: 1p36.11.
Variant type: single nucleotide variant.
Coding change: c.835C>T on transcript NM_001371928.1 (MANE Select); coding-DNA position 835, C replaced by T.
Protein change: p.Gln279Ter; replaces glutamine 279 with a stop codon.
Molecular consequence: nonsense.
Genome position (GRCh38, 1-based): chr1:27,551,281, G>A on the plus strand (C>T on the coding strand, the complement: AHDC1 is on the minus strand). VCF-style: chr1-27551281-G-A. GRCh37 (hg19) VCF-style: chr1-27877792-G-A.
Other names: c.835C>T, p.Gln279Ter (NM_001029882.3); short protein forms Q279*.
Identifiers: ClinVar variation 2706906 (VCV002706906.3), dbSNP rs1259408806, ClinGen allele CA339235993.

ClinVar aggregate classification (germline): Pathogenic (1 of 4 stars; one submission).

Submission:

Labcorp Genetics (formerly Invitae), Labcorp
Classification: Pathogenic. Last evaluated: 2024-01-07. Review status: criteria provided, single submitter. Criteria: Invitae Variant Classification Sherloc (09022015). Collection method: clinical testing. Allele origin: germline.
Comment: This sequence change creates a premature translational stop signal (p.Gln279*) in the AHDC1 gene. It is expected to result in an absent or disrupted protein product. Loss-of-function variants in AHDC1 are known to be pathogenic (PMID: 24791903, 27148574). This variant is not present in population databases (gnomAD no frequency). This variant has not been reported in the literature in individuals affected with AHDC1-related conditions. For these reasons, this variant has been classified as Pathogenic.

Literature cited by the submitters: PubMed 24791903; PubMed 27148574.